The following is an entry in ClinVar:

ClinVar aggregate classification (germline): Uncertain significance (1 of 4 stars; one submission).

Submission:

Ambry Genetics
Classification: Uncertain significance. Last evaluated: 2025-04-04. Review status: criteria provided, single submitter. Criteria: Ambry Variant Classification Scheme 2023. Collection method: clinical testing. Allele origin: germline.
Comment: The p.K446Q variant (also known as c.1336A>C), located in coding exon 2 of the CDK12 gene, results from an A to C substitution at nucleotide position 1336. The lysine at codon 446 is replaced by glutamine, an amino acid with similar properties. This amino acid position is conserved. In addition, this alteration is predicted to be tolerated by in silico analysis. Based on the available evidence, the clinical significance of this variant remains unclear.

NM_016507.4(CDK12):c.1336A>C (p.Lys446Gln)

Gene: CDK12 (cyclin dependent kinase 12; plus strand). Cytogenetic location: 17q12.
Variant type: single nucleotide variant.
Coding change: c.1336A>C on transcript NM_016507.4 (MANE Select); coding-DNA position 1336, A replaced by C.
Protein change: p.Lys446Gln; replaces lysine 446 with glutamine.
Molecular consequence: missense variant.
Genome position (GRCh38, 1-based): chr17:39,471,168, A>C. VCF-style: chr17-39471168-A-C. GRCh37 (hg19) VCF-style: chr17-37627421-A-C.
Other names: c.1336A>C, p.Lys446Gln (NM_015083.4); short protein forms K446Q.
Identifiers: ClinVar variation 3999311 (VCV003999311.1).